The following is an entry in ClinVar:

NM_005591.4(MRE11):c.1745A>G (p.Gln582Arg)

Gene: MRE11 (MRE11 double strand break repair nuclease; minus strand). Cytogenetic location: 11q21.
Variant type: single nucleotide variant.
Coding change: c.1745A>G on transcript NM_005591.4 (MANE Select); coding-DNA position 1745, A replaced by G.
Protein change: p.Gln582Arg; replaces glutamine 582 with arginine.
Molecular consequence: missense variant.
Genome position (GRCh38, 1-based): chr11:94,447,257, T>C on the plus strand (A>G on the coding strand, the complement: MRE11 is on the minus strand). VCF-style: chr11-94447257-T-C. GRCh37 (hg19) VCF-style: chr11-94180423-T-C.
Other names: c.1745A>G, p.Gln582Arg (NM_001330347.2, NM_005590.4); short protein forms Q582R.
Identifiers: ClinVar variation 936795 (VCV000936795.10), dbSNP rs752385699, ClinGen allele CA6235008.
Genomic context (GRCh38, chr11:94,447,257, plus strand): 5'-CAGGACTGAACTCAGTGCTCACCTCTTCCTCTTTGAGACCCTCCTCTCGATGCTGAATTC[T>C]GCCCTCTTCCACCTCTTCGACCTCTTCCTCGGCCTCTTCCTTTGTTGGTTGCTGCTGAGA-3'
Protein context (NP_005582.1, residues 572-592): RGRGRRGGRG[Gln582Arg]NSASRGGSQR

ClinVar aggregate classification (germline): Uncertain significance. Review status: criteria provided, multiple submitters, no conflicts (2 of 4 stars). 2 submissions from 2 submitters: Uncertain significance (2). Last evaluated 2024-06-23.

Conditions:
Ataxia-telangiectasia-like disorder (ATLD). Identifiers: MedGen C1858391, MONDO:0011457.
Hereditary cancer-predisposing syndrome. Also called: Tumor predisposition; Hereditary neoplastic syndrome; Hereditary Cancer Syndrome; Neoplastic Syndromes, Hereditary. Identifiers: Orphanet 140162, MedGen C0027672, MeSH D009386, MONDO:0015356.

Allele frequency attached by ClinVar (database versions not stated): gnomAD exomes below 0.00001 and 0.00001; ExAC 0.00002.
gnomAD v4.1: 3 of 1,613,992 alleles (0.00019%); highest among the groups gnomAD compares: Non-Finnish European, 0.00017%; no homozygotes.

Submissions (2):

Labcorp Genetics (formerly Invitae), Labcorp
Classification: Uncertain significance for Ataxia-telangiectasia-like disorder. Last evaluated: 2024-06-23. Review status: criteria provided, single submitter. Criteria: Invitae Variant Classification Sherloc (09022015). Collection method: clinical testing. Allele origin: germline.
Comment: This sequence change replaces glutamine, which is neutral and polar, with arginine, which is basic and polar, at codon 582 of the MRE11 protein (p.Gln582Arg). This variant is present in population databases (rs752385699, gnomAD 0.003%). This variant has not been reported in the literature in individuals affected with MRE11-related conditions. ClinVar contains an entry for this variant (Variation ID: 936795). An algorithm developed to predict the effect of missense changes on protein structure and function (PolyPhen-2) suggests that this variant is likely to be tolerated. In summary, the available evidence is currently insufficient to determine the role of this variant in disease. Therefore, it has been classified as a Variant of Uncertain Significance.

Ambry Genetics
Classification: Uncertain significance for Hereditary cancer-predisposing syndrome. Last evaluated: 2023-01-05. Review status: criteria provided, single submitter. Criteria: Ambry Variant Classification Scheme 2023. Collection method: clinical testing. Allele origin: germline.
Comment: The p.Q582R variant (also known as c.1745A>G), located in coding exon 14 of the MRE11A gene, results from an A to G substitution at nucleotide position 1745. The glutamine at codon 582 is replaced by arginine, an amino acid with highly similar properties. This amino acid position is conserved. In addition, the in silico prediction for this alteration is inconclusive. Since supporting evidence is limited at this time, the clinical significance of this alteration remains unclear.